The following is an entry in ClinVar:

NM_000059.4(BRCA2):c.7624dup (p.Thr2542fs)

Gene: BRCA2 (BRCA2 DNA repair associated; plus strand). Cytogenetic location: 13q13.1.
Variant type: Duplication.
Coding change: c.7624dup on transcript NM_000059.4 (MANE Select); coding-DNA position 7624, one base duplicated (A; older notation c.7624dupA).
Protein change: p.Thr2542fs; shifts the reading frame from threonine 2542.
Molecular consequence: frameshift variant.
Genome position (GRCh38, 1-based): chr13:32,357,748, A duplicated. VCF-style (leftmost placement, unchanged base first): chr13-32357747-T-TA. GRCh37 (hg19) VCF-style: chr13-32931884-T-TA.
Other names: 7852INSA; short protein forms T2542fs.
Identifiers: ClinVar variation 267025 (VCV000267025.8), dbSNP rs886040721, ClinGen allele CA10589441.

ClinVar aggregate classification (germline): Pathogenic. Review status: reviewed by expert panel (3 of 4 stars). 3 submissions from 3 submitters: Pathogenic (1). 2 of the submissions do not count toward it. Last evaluated 2016-10-18.

Conditions:
Breast-ovarian cancer, familial, susceptibility to, 2 (BROVCA2). Also called: BRCA2 Hereditary Breast and Ovarian Cancer. Identifiers: Orphanet 145, MedGen C2675520, MONDO:0012933, OMIM 612555. Disease mechanism: loss of function.
Hereditary breast ovarian cancer syndrome. Also called: BRCA1- and BRCA2-Associated Hereditary Breast and Ovarian Cancer; Hereditary breast and ovarian cancer; Breast and ovarian cancer; Hereditary breast and/or ovarian cancer syndrome; Hereditary breast and ovarian cancer syndrome; Hereditary breast and ovarian cancer syndrome (HBOC). Identifiers: Orphanet 145, MedGen C0677776, MeSH D061325, MONDO:0003582. Disease mechanism: loss of function.

Submissions (3):

Evidence-based Network for the Interpretation of Germline Mutant Alleles (ENIGMA)
Classification: Pathogenic for Breast-ovarian cancer, familial, susceptibility to, 2. Last evaluated: 2016-10-18. Review status: reviewed by expert panel. Criteria: ENIGMA BRCA1/2 Classification Criteria (2015). Collection method: curation. Allele origin: germline.
Comment: Variant allele predicted to encode a truncated non-functional protein.

Labcorp Genetics (formerly Invitae), Labcorp
Classification: Pathogenic for Hereditary breast ovarian cancer syndrome. Last evaluated: 2022-11-09. Review status: criteria provided, single submitter. Criteria: Invitae Variant Classification Sherloc (09022015). Collection method: clinical testing. Allele origin: germline. Not counted in ClinVar's aggregate classification.
Comment: For these reasons, this variant has been classified as Pathogenic. ClinVar contains an entry for this variant (Variation ID: 267025). This variant has not been reported in the literature in individuals affected with BRCA2-related conditions. This variant is not present in population databases (gnomAD no frequency). This sequence change creates a premature translational stop signal (p.Thr2542Asnfs*6) in the BRCA2 gene. It is expected to result in an absent or disrupted protein product. Loss-of-function variants in BRCA2 are known to be pathogenic (PMID: 20104584).

Consortium of Investigators of Modifiers of BRCA1/2 (CIMBA), c/o University of Cambridge
Classification: Pathogenic for Breast-ovarian cancer, familial, susceptibility to, 2. Last evaluated: 2015-10-02. Review status: criteria provided, single submitter. Criteria: CIMBA Mutation Classification guidelines May 2016. Collection method: clinical testing. Allele origin: germline. Not counted in ClinVar's aggregate classification.

Literature cited by the submitters: PubMed 20104584 (cited by Labcorp Genetics (formerly Invitae), Labcorp).